The following is an entry in ClinVar:

NM_021942.6(TRAPPC11):c.1055A>G (p.Gln352Arg)

Gene: TRAPPC11 (trafficking protein particle complex subunit 11; plus strand). Cytogenetic location: 4q35.1.
Variant type: single nucleotide variant.
Coding change: c.1055A>G on transcript NM_021942.6 (MANE Select); coding-DNA position 1055, A replaced by G.
Protein change: p.Gln352Arg; replaces glutamine 352 with arginine.
Molecular consequence: missense variant.
Genome position (GRCh38, 1-based): chr4:183,680,209, A>G. VCF-style: chr4-183680209-A-G. GRCh37 (hg19) VCF-style: chr4-184601362-A-G.
Other names: c.1055A>G, p.Gln352Arg (NM_199053.3); short protein forms Q352R.
Identifiers: ClinVar variation 658614 (VCV000658614.45), dbSNP rs780363437, ClinGen allele CA3151773.

ClinVar aggregate classification (germline): Uncertain significance. Review status: criteria provided, multiple submitters, no conflicts (2 of 4 stars). 3 submissions from 3 submitters: Uncertain significance (3). Last evaluated 2024-06-12.

Conditions:
Autosomal recessive limb-girdle muscular dystrophy type R18 (LGMDR18). Also called: Limb-girdle muscular dystrophy, type 2S; MUSCULAR DYSTROPHY, LIMB-GIRDLE, AUTOSOMAL RECESSIVE 18; Autosomal recessive limb-girdle muscular dystrophy type 2S. Identifiers: Orphanet 369840, MedGen C4517996, MONDO:0014144, OMIM 615356.

Allele frequency attached by ClinVar (database versions not stated): ExAC 0.00001; gnomAD exomes 0.00001; TOPMed 0.00002.
gnomAD v4.1: 28 of 1,614,114 alleles (0.0017%); highest among the groups gnomAD compares: Middle Eastern, 0.016%; no homozygotes.

Submissions (3):

GeneDx
Classification: Uncertain significance. Last evaluated: 2024-06-12. Review status: criteria provided, single submitter. Criteria: GeneDx Variant Classification Process June 2021. Collection method: clinical testing. Allele origin: germline. Affected: yes.
Comment: Not observed at significant frequency in large population cohorts (gnomAD); In silico analysis indicates that this missense variant does not alter protein structure/function; Has not been previously published as pathogenic or benign to our knowledge

Labcorp Genetics (formerly Invitae), Labcorp
Classification: Uncertain significance for Autosomal recessive limb-girdle muscular dystrophy type R18. Last evaluated: 2022-08-18. Review status: criteria provided, single submitter. Criteria: Invitae Variant Classification Sherloc (09022015). Collection method: clinical testing. Allele origin: germline.
Comment: This sequence change replaces glutamine, which is neutral and polar, with arginine, which is basic and polar, at codon 352 of the TRAPPC11 protein (p.Gln352Arg). This variant is present in population databases (rs780363437, gnomAD 0.003%). This variant has not been reported in the literature in individuals affected with TRAPPC11-related conditions. ClinVar contains an entry for this variant (Variation ID: 658614). Algorithms developed to predict the effect of missense changes on protein structure and function (SIFT, PolyPhen-2, Align-GVGD) all suggest that this variant is likely to be tolerated. Algorithms developed to predict the effect of sequence changes on RNA splicing suggest that this variant may disrupt the consensus splice site. In summary, the available evidence is currently insufficient to determine the role of this variant in disease. Therefore, it has been classified as a Variant of Uncertain Significance.

CeGaT Center for Human Genetics Tuebingen
Classification: Uncertain significance. Last evaluated: 2019-05-01. Review status: criteria provided, single submitter. Criteria: CeGaT Center For Human Genetics Tuebingen Variant Classification Criteria Version 2. Collection method: clinical testing. Allele origin: germline. Affected: yes. Observed: 1 variant allele.